The following is an entry in ClinVar:

NM_001142800.2(EYS):c.4115C>T (p.Pro1372Leu)

Gene: EYS (EGF-like photoreceptor maintenance factor; minus strand). Cytogenetic location: 6q12.
Variant type: single nucleotide variant.
Coding change: c.4115C>T on transcript NM_001142800.2 (MANE Select); coding-DNA position 4115, C replaced by T.
Protein change: p.Pro1372Leu; replaces proline 1372 with leucine.
Molecular consequence: missense variant.
Genome position (GRCh38, 1-based): chr6:64,591,752, G>A on the plus strand (C>T on the coding strand, the complement: EYS is on the minus strand). VCF-style: chr6-64591752-G-A. GRCh37 (hg19) VCF-style: chr6-65301645-G-A.
Other names: c.4115C>T, p.Pro1372Leu (NM_001292009.2); short protein forms P1372L.
Identifiers: ClinVar variation 851435 (VCV000851435.5), dbSNP rs569134881, ClinGen allele CA3877106.

ClinVar aggregate classification (germline): Uncertain significance. Review status: criteria provided, multiple submitters, no conflicts (2 of 4 stars). 3 submissions from 3 submitters: Uncertain significance (2). 1 of the submissions does not count toward it. Last evaluated 2021-09-08.

Conditions:
Retinitis pigmentosa (RP). Identifiers: Orphanet 791, MedGen C0035334, MeSH D012174, MONDO:0019200, OMIM 268000. Inheritance: Autosomal dominant, autosomal recessive and X linked inheritance.

Allele frequency attached by ClinVar (database versions not stated): gnomAD exomes 0.00003 and 0.00016; gnomAD 0.00005 and 0.00009; TOPMed 0.00006; ExAC 0.00025; 1000 Genomes Project 30x 0.00094; 1000 Genomes Project 0.00120.
gnomAD v4.1: 54 of 1,551,328 alleles (0.0035%); highest among the groups gnomAD compares: East Asian, 0.11%; no homozygotes.

Submissions (3):

Labcorp Genetics (formerly Invitae), Labcorp
Classification: Uncertain significance. Last evaluated: 2021-09-08. Review status: criteria provided, single submitter. Criteria: Invitae Variant Classification Sherloc (09022015). Collection method: clinical testing. Allele origin: germline.
Comment: This sequence change replaces proline with leucine at codon 1372 of the EYS protein (p.Pro1372Leu). The proline residue is weakly conserved and there is a moderate physicochemical difference between proline and leucine. This variant is present in population databases (rs569134881, ExAC 0.8%). This missense change has been observed in individual(s) with autosomal recessive retinitis pigmentosa (PMID: 24938718). ClinVar contains an entry for this variant (Variation ID: 851435). Algorithms developed to predict the effect of missense changes on protein structure and function output the following: SIFT: "Tolerated"; PolyPhen-2: "Probably Damaging"; Align-GVGD: "Class C0". The leucine amino acid residue is found in multiple mammalian species, which suggests that this missense change does not adversely affect protein function. In summary, the available evidence is currently insufficient to determine the role of this variant in disease. Therefore, it has been classified as a Variant of Uncertain Significance.

Blueprint Genetics
Classification: Uncertain significance. Last evaluated: 2021-08-16. Review status: criteria provided, single submitter. Criteria: ACMG Guidelines, 2015. Collection method: clinical testing. Allele origin: germline.

Natera, Inc.
Classification: Uncertain significance for Retinitis pigmentosa. Last evaluated: 2020-09-16. Review status: no assertion criteria provided. Collection method: clinical testing. Allele origin: germline. Not counted in ClinVar's aggregate classification.

Literature cited by the submitters: PubMed 24938718 (cited by Labcorp Genetics (formerly Invitae), Labcorp).